The following is an entry in ClinVar:

ClinVar aggregate classification (germline): Uncertain significance. Review status: criteria provided, multiple submitters, no conflicts (2 of 4 stars). 2 submissions from 2 submitters: Uncertain significance (2). Last evaluated 2023-08-14.

Conditions:
RYR1-related disorder. Also called: RYR1-related disorders; RYR1-related condition. Identifiers: MedGen CN239331.

Submissions (2):

Labcorp Genetics (formerly Invitae), Labcorp
Classification: Uncertain significance for RYR1-related disorder. Last evaluated: 2023-08-14. Review status: criteria provided, single submitter. Criteria: Invitae Variant Classification Sherloc (09022015). Collection method: clinical testing. Allele origin: germline.
Comment: This sequence change replaces cysteine, which is neutral and slightly polar, with arginine, which is basic and polar, at codon 2702 of the RYR1 protein (p.Cys2702Arg). This variant is not present in population databases (gnomAD no frequency). This variant has not been reported in the literature in individuals affected with RYR1-related conditions. ClinVar contains an entry for this variant (Variation ID: 590606). Advanced modeling of protein sequence and biophysical properties (such as structural, functional, and spatial information, amino acid conservation, physicochemical variation, residue mobility, and thermodynamic stability) performed at Invitae indicates that this missense variant is expected to disrupt RYR1 protein function. In summary, the available evidence is currently insufficient to determine the role of this variant in disease. Therefore, it has been classified as a Variant of Uncertain Significance.

PreventionGenetics, part of Exact Sciences
Classification: Uncertain significance. Last evaluated: 2015-06-23. Review status: criteria provided, single submitter. Criteria: ACMG Guidelines, 2015. Collection method: clinical testing. Allele origin: germline.

NM_000540.3(RYR1):c.8104T>C (p.Cys2702Arg)

Gene: RYR1 (ryanodine receptor 1; plus strand). Cytogenetic location: 19q13.2.
Variant type: single nucleotide variant.
Coding change: c.8104T>C on transcript NM_000540.3 (MANE Select); coding-DNA position 8104, T replaced by C.
Protein change: p.Cys2702Arg; replaces cysteine 2702 with arginine.
Molecular consequence: missense variant.
Genome position (GRCh38, 1-based): chr19:38,504,784, T>C. VCF-style: chr19-38504784-T-C. GRCh37 (hg19) VCF-style: chr19-38995424-T-C.
Other names: c.8104T>C, p.Cys2702Arg (NM_001042723.2); short protein forms C2702R.
Identifiers: ClinVar variation 590606 (VCV000590606.5), dbSNP rs1568510244, ClinGen allele CA405676580.
Genomic context (GRCh38, chr19:38,504,784, plus strand): 5'-CCCTGCTTCACCCGGTTTTCCCAGAAATACGACCCGGAGCTGTACCGCATGGCCATGCCT[T>C]GTCTGTGCGCCATTGCCGGGGCTCTGCCCCCCGACTATGTGGATGCCTCATACTCATCTA-3'
Protein context (NP_000531.2, residues 2692-2712): DPELYRMAMP[Cys2702Arg]LCAIAGALPP